The following is an entry in ClinVar:

ClinVar aggregate classification (germline): Uncertain significance (1 of 4 stars; one submission).

Conditions:
Hereditary breast ovarian cancer syndrome. Also called: BRCA1- and BRCA2-Associated Hereditary Breast and Ovarian Cancer; Hereditary breast and ovarian cancer; Hereditary breast and/or ovarian cancer syndrome; Hereditary breast and ovarian cancer syndrome; Hereditary breast and ovarian cancer syndrome (HBOC); Breast and ovarian cancer. Identifiers: Orphanet 145, MedGen C0677776, MeSH D061325, MONDO:0003582. Disease mechanism: loss of function.

Submission:

Labcorp Genetics (formerly Invitae), Labcorp
Classification: Uncertain significance for Hereditary breast ovarian cancer syndrome. Last evaluated: 2024-12-15. Review status: criteria provided, single submitter. Criteria: Invitae Variant Classification Sherloc (09022015). Collection method: clinical testing. Allele origin: germline.
Comment: This sequence change replaces serine, which is neutral and polar, with proline, which is neutral and non-polar, at codon 2984 of the BRCA2 protein (p.Ser2984Pro). This variant is not present in population databases (gnomAD no frequency). This variant has not been reported in the literature in individuals affected with BRCA2-related conditions. ClinVar contains an entry for this variant (Variation ID: 964114). Invitae Evidence Modeling of protein sequence and biophysical properties (such as structural, functional, and spatial information, amino acid conservation, physicochemical variation, residue mobility, and thermodynamic stability) indicates that this missense variant is not expected to disrupt BRCA2 protein function with a negative predictive value of 95%. In summary, the available evidence is currently insufficient to determine the role of this variant in disease. Therefore, it has been classified as a Variant of Uncertain Significance.

NM_000059.4(BRCA2):c.8950T>C (p.Ser2984Pro)

Gene: BRCA2 (BRCA2 DNA repair associated; plus strand). Cytogenetic location: 13q13.1.
Variant type: single nucleotide variant.
Coding change: c.8950T>C on transcript NM_000059.4 (MANE Select); coding-DNA position 8950, T replaced by C.
Protein change: p.Ser2984Pro; replaces serine 2984 with proline.
Molecular consequence: missense variant.
Genome position (GRCh38, 1-based): chr13:32,379,512, T>C. VCF-style: chr13-32379512-T-C. GRCh37 (hg19) VCF-style: chr13-32953649-T-C.
Other names: short protein forms S2984P.
Identifiers: ClinVar variation 964114 (VCV000964114.10), dbSNP rs876659461, ClinGen allele CA387757342.